The following is an entry in ClinVar:

NM_000038.6(APC):c.2674G>A (p.Glu892Lys)

Gene: APC (APC regulator of Wnt signaling pathway; plus strand). Cytogenetic location: 5q22.2.
Variant type: single nucleotide variant.
Coding change: c.2674G>A on transcript NM_000038.6 (MANE Select); coding-DNA position 2674, G replaced by A.
Protein change: p.Glu892Lys; replaces glutamic acid 892 with lysine.
Molecular consequence: missense variant. On other transcripts: non-coding transcript variant (2).
Genome position (GRCh38, 1-based): chr5:112,838,268, G>A. VCF-style: chr5-112838268-G-A. GRCh37 (hg19) VCF-style: chr5-112173965-G-A.
Other names: c.2674G>A, p.Glu892Lys (NM_001127510.3, NM_001354895.2, NM_001407450.1); c.2620G>A, p.Glu874Lys (NM_001127511.3); c.2728G>A, p.Glu910Lys (NM_001354896.2, NM_001407447.1, NM_001407448.1 and 1 more transcripts); c.2704G>A, p.Glu902Lys (NM_001354897.2); c.2599G>A, p.Glu867Lys (NM_001354898.2); c.2590G>A, p.Glu864Lys (NM_001354899.2); c.2551G>A, p.Glu851Lys (NM_001354900.2); c.2497G>A, p.Glu833Lys (NM_001354901.2, NM_001407453.1); and 11 more; short protein forms E609K, E833K, E867K, E874K, E892K, E766K, E864K, E902K.
Identifiers: ClinVar variation 2587013 (VCV002587013.2), dbSNP rs1561578889, ClinGen allele CA16027168.

ClinVar aggregate classification (germline): Uncertain significance (1 of 4 stars; one submission).

Conditions:
Hereditary cancer-predisposing syndrome. Also called: Hereditary neoplastic syndrome; Tumor predisposition; Hereditary Cancer Syndrome; Neoplastic Syndromes, Hereditary. Identifiers: Orphanet 140162, MedGen C0027672, MeSH D009386, MONDO:0015356.

Submission:

Ambry Genetics
Classification: Uncertain significance for Hereditary cancer-predisposing syndrome. Last evaluated: 2023-08-14. Review status: criteria provided, single submitter. Criteria: Ambry Variant Classification Scheme 2023. Collection method: clinical testing. Allele origin: germline.
Comment: The p.E892K variant (also known as c.2674G>A), located in coding exon 15 of the APC gene, results from a G to A substitution at nucleotide position 2674. The glutamic acid at codon 892 is replaced by lysine, an amino acid with similar properties. This amino acid position is well conserved in available vertebrate species. In addition, in silico predictors for this gene do not accurately predict pathogenicity. Since supporting evidence is limited at this time, the clinical significance of this alteration remains unclear.